The following is an entry in ClinVar:

ClinVar aggregate classification (germline): Likely benign. Review status: criteria provided, multiple submitters, no conflicts (2 of 4 stars). 3 submissions from 3 submitters: Likely benign (3). Last evaluated 2023-12-04.

Conditions:
Long QT syndrome (LQTS). Identifiers: MedGen C0023976, MeSH D008133, MONDO:0002442. Disease mechanism: loss of function. Inheritance: Various modes of inheritance.
Cardiovascular phenotype. Identifiers: MedGen CN230736.

Allele frequency attached by ClinVar (database versions not stated): gnomAD 0.00001; gnomAD exomes 0.00001; TOPMed 0.00001.

Submissions (3):

Ambry Genetics
Classification: Likely benign for Cardiovascular phenotype. Last evaluated: 2023-12-04. Review status: criteria provided, single submitter. Criteria: Ambry Variant Classification Scheme 2023. Collection method: clinical testing. Allele origin: germline.

Labcorp Genetics (formerly Invitae), Labcorp
Classification: Likely benign for Long QT syndrome. Last evaluated: 2023-06-02. Review status: criteria provided, single submitter. Criteria: Invitae Variant Classification Sherloc (09022015). Collection method: clinical testing. Allele origin: germline.

GeneDx
Classification: Likely benign. Last evaluated: 2017-11-21. Review status: criteria provided, single submitter. Criteria: GeneDx Variant Classification (06012015). Collection method: clinical testing. Allele origin: germline. Affected: yes.
Comment: This variant is considered likely benign or benign based on one or more of the following criteria: it is a conservative change, it occurs at a poorly conserved position in the protein, it is predicted to be benign by multiple in silico algorithms, and/or has population frequency not consistent with disease.

NM_000890.5(KCNJ5):c.990C>A (p.Gly330=)

Gene: KCNJ5 (potassium inwardly rectifying channel subfamily J member 5; plus strand). Cytogenetic location: 11q24.3.
Variant type: single nucleotide variant.
Coding change: c.990C>A on transcript NM_000890.5 (MANE Select); coding-DNA position 990, C replaced by A.
Protein change: p.Gly330=; no amino-acid change (glycine 330 retained).
Molecular consequence: synonymous variant.
Genome position (GRCh38, 1-based): chr11:128,916,461, C>A. VCF-style: chr11-128916461-C-A. GRCh37 (hg19) VCF-style: chr11-128786356-C-A.
Other names: c.990C>A (LRG_333t1); c.990C>A, p.Gly330= (NM_001354169.2).
Identifiers: ClinVar variation 513442 (VCV000513442.10), dbSNP rs1370256653, ClinGen allele CA477703918.
Genomic context (GRCh38, chr11:128,916,461, plus strand): 5'-TTCCCCAGGCATGACCTGCCAAGCCCGGAGCTCCTACATGGATACAGAGGTGCTCTGGGG[C>A]CACCGATTCACACCAGTCCTCACCTTGGAAAAGGGCTTCTATGAGGTGGACTACAACACC-3'
Protein context (NP_000881.3, residues 320-340): SSYMDTEVLW[Gly330=]HRFTPVLTLE